The following is an entry in ClinVar:

ClinVar aggregate classification (germline): Uncertain significance (1 of 4 stars; one submission).

Allele frequency attached by ClinVar (database versions not stated): gnomAD exomes below 0.00001; 1000 Genomes Project 30x 0.00016.
gnomAD v4.1: 2 of 1,614,184 alleles (0.00012%); highest among the groups gnomAD compares: Non-Finnish European, 0.00017%; no homozygotes.

Submission:

GeneDx
Classification: Uncertain significance. Last evaluated: 2023-04-11. Review status: criteria provided, single submitter. Criteria: GeneDx Variant Classification Process June 2021. Collection method: clinical testing. Allele origin: germline. Affected: yes.
Comment: In silico analysis supports that this missense variant has a deleterious effect on protein structure/function; Has not been previously published as pathogenic or benign to our knowledge

NM_001282531.3(ADNP):c.2438G>A (p.Arg813His)

Gene: ADNP (activity dependent neuroprotector homeobox; minus strand). Cytogenetic location: 20q13.13.
Variant type: single nucleotide variant.
Coding change: c.2438G>A on transcript NM_001282531.3 (MANE Select); coding-DNA position 2438, G replaced by A.
Protein change: p.Arg813His; replaces arginine 813 with histidine.
Molecular consequence: missense variant.
Genome position (GRCh38, 1-based): chr20:50,892,276, C>T on the plus strand (G>A on the coding strand, the complement: ADNP is on the minus strand). VCF-style: chr20-50892276-C-T. GRCh37 (hg19) VCF-style: chr20-49508813-C-T.
Other names: c.2438G>A, p.Arg813His (NM_001282532.2, NM_001347511.2, NM_015339.5 and 1 more transcripts); short protein forms R813H.
Identifiers: ClinVar variation 2662007 (VCV002662007.1), dbSNP rs1251485719, ClinGen allele CA408969467.